The following is an entry in ClinVar:

ClinVar aggregate classification (germline): Likely benign (1 of 4 stars; one submission).

Allele frequency attached by ClinVar (database versions not stated): gnomAD 0.00001; gnomAD exomes 0.00001; TOPMed 0.00001.
gnomAD v4.1: 6 of 1,612,744 alleles (0.00037%); highest among the groups gnomAD compares: Non-Finnish European, 0.00051%; no homozygotes.

Submission:

GeneDx
Classification: Likely benign. Last evaluated: 2018-05-01. Review status: criteria provided, single submitter. Criteria: GeneDx Variant Classification (06012015). Collection method: clinical testing. Allele origin: germline. Affected: yes.
Comment: This variant is considered likely benign or benign based on one or more of the following criteria: it is a conservative change, it occurs at a poorly conserved position in the protein, it is predicted to be benign by multiple in silico algorithms, and/or has population frequency not consistent with disease.

NM_001851.6(COL9A1):c.1665+20C>G

Gene: COL9A1 (collagen type IX alpha 1 chain; minus strand). Cytogenetic location: 6q13.
Variant type: single nucleotide variant.
Coding change: c.1665+20C>G on transcript NM_001851.6 (MANE Select); 20 bases into the intron after coding-DNA position 1665, C replaced by G.
Molecular consequence: intron variant.
Genome position (GRCh38, 1-based): chr6:70,254,943, G>C on the plus strand (C>G on the coding strand, the complement: COL9A1 is on the minus strand). VCF-style: chr6-70254943-G-C. GRCh37 (hg19) VCF-style: chr6-70964646-G-C.
Other names: c.936+20C>G (NM_001377290.1, NM_078485.4, NM_001377289.1).
Identifiers: ClinVar variation 682439 (VCV000682439.1), dbSNP rs1388265270, ClinGen allele CA827626590.